The following is an entry in ClinVar:

NM_004172.5(SLC1A3):c.73C>T (p.Arg25Cys)

Gene: SLC1A3 (solute carrier family 1 member 3; plus strand). Cytogenetic location: 5p13.2.
Variant type: single nucleotide variant.
Coding change: c.73C>T on transcript NM_004172.5 (MANE Select); coding-DNA position 73, C replaced by T.
Protein change: p.Arg25Cys; replaces arginine 25 with cysteine.
Molecular consequence: missense variant.
Genome position (GRCh38, 1-based): chr5:36,608,496, C>T. VCF-style: chr5-36608496-C-T. GRCh37 (hg19) VCF-style: chr5-36608598-C-T.
Other names: c.73C>T, p.Arg25Cys (NM_001166695.3, NM_001166696.3, NM_001289939.2 and 1 more transcripts); short protein forms R25C.
Identifiers: ClinVar variation 450429 (VCV000450429.4), dbSNP rs1264331837, ClinGen allele CA359485582.

ClinVar aggregate classification (germline): Uncertain significance (1 of 4 stars; one submission).

Allele frequency attached by ClinVar (database versions not stated): TOPMed below 0.00001.
gnomAD v4.1: 4 of 1,613,912 alleles (0.00025%); highest among the groups gnomAD compares: East Asian, 0.0022%; no homozygotes.

Submission:

GeneDx
Classification: Uncertain significance. Last evaluated: 2022-10-13. Review status: criteria provided, single submitter. Criteria: GeneDx Variant Classification Process June 2021. Collection method: clinical testing. Allele origin: germline. Affected: yes.
Comment: Not observed at significant frequency in large population cohorts (gnomAD); In silico analysis supports that this missense variant has a deleterious effect on protein structure/function; Has not been previously published as pathogenic or benign to our knowledge